The following is an entry in ClinVar:

NM_014633.5(CTR9):c.313A>G (p.Asn105Asp)

Gene: CTR9 (CTR9 component of Paf1/RNA polymerase II complex; plus strand). Cytogenetic location: 11p15.4.
Variant type: single nucleotide variant.
Coding change: c.313A>G on transcript NM_014633.5 (MANE Select); coding-DNA position 313, A replaced by G.
Protein change: p.Asn105Asp; replaces asparagine 105 with aspartic acid.
Molecular consequence: missense variant.
Genome position (GRCh38, 1-based): chr11:10,755,126, A>G. VCF-style: chr11-10755126-A-G. GRCh37 (hg19) VCF-style: chr11-10776673-A-G.
Other names: c.313A>G, p.Asn105Asp (NM_001346279.2); short protein forms N105D.
Identifiers: ClinVar variation 1494366 (VCV001494366.8), dbSNP rs2135356157, ClinGen allele CA379659610.

ClinVar aggregate classification (germline): Uncertain significance (1 of 4 stars; one submission).

Allele frequency attached by ClinVar (database versions not stated): gnomAD exomes below 0.00001.
gnomAD v4.1: 4 of 1,614,038 alleles (0.00025%); highest among the groups gnomAD compares: South Asian, 0.0022%; no homozygotes.

Submission:

Labcorp Genetics (formerly Invitae), Labcorp
Classification: Uncertain significance. Last evaluated: 2022-08-15. Review status: criteria provided, single submitter. Criteria: Invitae Variant Classification Sherloc (09022015). Collection method: clinical testing. Allele origin: germline.
Comment: In summary, the available evidence is currently insufficient to determine the role of this variant in disease. Therefore, it has been classified as a Variant of Uncertain Significance. Algorithms developed to predict the effect of missense changes on protein structure and function (SIFT, PolyPhen-2, Align-GVGD) all suggest that this variant is likely to be tolerated. ClinVar contains an entry for this variant (Variation ID: 1494366). This variant has not been reported in the literature in individuals affected with CTR9-related conditions. This variant is not present in population databases (gnomAD no frequency). This sequence change replaces asparagine, which is neutral and polar, with aspartic acid, which is acidic and polar, at codon 105 of the CTR9 protein (p.Asn105Asp).